The following is an entry in ClinVar:

NM_015202.5(KATNIP):c.1196C>T (p.Thr399Met)

Gene: KATNIP (katanin interacting protein; plus strand). Cytogenetic location: 16p12.1.
Variant type: single nucleotide variant.
Coding change: c.1196C>T on transcript NM_015202.5 (MANE Select); coding-DNA position 1196, C replaced by T.
Protein change: p.Thr399Met; replaces threonine 399 with methionine.
Molecular consequence: missense variant.
Genome position (GRCh38, 1-based): chr16:27,701,605, C>T. VCF-style: chr16-27701605-C-T. GRCh37 (hg19) VCF-style: chr16-27712926-C-T.
Other names: short protein forms T399M.
Identifiers: ClinVar variation 3862513 (VCV003862513.2).

ClinVar aggregate classification (germline): Conflicting classifications of pathogenicity. Review status: criteria provided, conflicting classifications (1 of 4 stars). 2 submissions from 2 submitters: Uncertain significance (1); Likely benign (1). Last evaluated 2026-07-01.

gnomAD v4.1: 92 of 1,597,032 alleles (0.0058%); highest among the groups gnomAD compares: South Asian, 0.027%; no homozygotes.

Submissions (2):

CeGaT Center for Human Genetics Tuebingen
Classification: Likely benign. Last evaluated: 2026-07-01. Review status: criteria provided, single submitter. Criteria: CeGaT Center For Human Genetics Tuebingen Variant Classification Criteria Version 2. Collection method: clinical testing. Allele origin: germline. Affected: yes. Observed: 1 variant allele.
Comment: KATNIP: BP4

Ambry Genetics
Classification: Uncertain significance. Last evaluated: 2024-12-31. Review status: criteria provided, single submitter. Criteria: Ambry Variant Classification Scheme 2023. Collection method: clinical testing. Allele origin: germline.